The following is an entry in ClinVar:

ClinVar aggregate classification (germline): Pathogenic (1 of 4 stars; one submission).

Allele frequency attached by ClinVar (database versions not stated): TOPMed below 0.00001; gnomAD 0.00001; gnomAD exomes 0.00001.
gnomAD v4.1: 21 of 1,614,060 alleles (0.0013%); highest among the groups gnomAD compares: Non-Finnish European, 0.0017%; no homozygotes.

Submission:

Labcorp Genetics (formerly Invitae), Labcorp
Classification: Pathogenic. Last evaluated: 2024-03-14. Review status: criteria provided, single submitter. Criteria: Invitae Variant Classification Sherloc (09022015). Collection method: clinical testing. Allele origin: germline.
Comment: This sequence change creates a premature translational stop signal (p.Trp324*) in the AAAS gene. It is expected to result in an absent or disrupted protein product. Loss-of-function variants in AAAS are known to be pathogenic (PMID: 11159947). This variant is not present in population databases (gnomAD no frequency). This premature translational stop signal has been observed in individual(s) with achalasia addisonianism alacrimia syndrome (PMID: 18953174). For these reasons, this variant has been classified as Pathogenic.

Literature cited by the submitters: PubMed 11159947; PubMed 18953174.

NM_015665.6(AAAS):c.972G>A (p.Trp324Ter)

Gene: AAAS (aladin WD repeat nucleoporin; minus strand). Cytogenetic location: 12q13.13.
Variant type: single nucleotide variant.
Coding change: c.972G>A on transcript NM_015665.6 (MANE Select); coding-DNA position 972, G replaced by A.
Protein change: p.Trp324Ter; replaces tryptophan 324 with a stop codon.
Molecular consequence: nonsense.
Genome position (GRCh38, 1-based): chr12:53,308,984, C>T on the plus strand (G>A on the coding strand, the complement: AAAS is on the minus strand). VCF-style: chr12-53308984-C-T. GRCh37 (hg19) VCF-style: chr12-53702768-C-T.
Other names: c.873G>A, p.Trp291Ter (NM_001173466.2); short protein forms W291*, W324*.
Identifiers: ClinVar variation 2782087 (VCV002782087.3), dbSNP rs1012756707, ClinGen allele CA237331365.
Genomic context (GRCh38, chr12:53,308,984, plus strand): 5'-CCTCCCCAGTGTCTGTGAATCAGAGTCCCCTCTTACCTGACAGCGCCCTGATAGAGTAGG[C>T]CACCTCTCACAAGTCCACATCTGGGCCTCCCAGACTCTGAGCCAGAGAAAAGCAAATTAC-3'